The following is an entry in ClinVar:

ClinVar aggregate classification (germline): Uncertain significance (1 of 4 stars; one submission).

Submission:

Ambry Genetics
Classification: Uncertain significance. Last evaluated: 2023-08-02. Review status: criteria provided, single submitter. Criteria: Ambry Variant Classification Scheme 2023. Collection method: clinical testing. Allele origin: germline.
Comment: The p.I35M variant (also known as c.105C>G), located in coding exon 1 of the PRKDC gene, results from a C to G substitution at nucleotide position 105. The isoleucine at codon 35 is replaced by methionine, an amino acid with highly similar properties. This amino acid position is conserved. In addition, this alteration is predicted to be tolerated by in silico analysis. Since supporting evidence is limited at this time, the clinical significance of this alteration remains unclear.

NM_006904.7(PRKDC):c.105C>G (p.Ile35Met)

Genes: PRKDC (protein kinase, DNA-activated, catalytic subunit; minus strand), LOC129929030 (ATAC-STARR-seq lymphoblastoid silent region 19177; plus strand). Cytogenetic location: 8q11.21.
Variant type: single nucleotide variant.
Coding change: c.105C>G on transcript NM_006904.7 (MANE Select); coding-DNA position 105, C replaced by G.
Protein change: p.Ile35Met; replaces isoleucine 35 with methionine.
Molecular consequence: missense variant.
Genome position (GRCh38, 1-based): chr8:47,960,022, G>C on the plus strand (C>G on the coding strand, the complement: PRKDC is on the minus strand). VCF-style: chr8-47960022-G-C. GRCh37 (hg19) VCF-style: chr8-48872582-G-C.
Other names: c.105C>G, p.Ile35Met (NM_001081640.2); short protein forms I35M.
Identifiers: ClinVar variation 2626349 (VCV002626349.2), dbSNP rs2551882728, ClinGen allele CA371142770.